The following is an entry in ClinVar:

ClinVar aggregate classification (germline): Uncertain significance (1 of 4 stars; one submission).

Submission:

GeneDx
Classification: Uncertain significance. Last evaluated: 2025-05-21. Review status: criteria provided, single submitter. Criteria: GeneDx Variant Classification Process June 2021. Collection method: clinical testing. Allele origin: germline. Affected: yes.
Comment: Not observed at significant frequency in large population cohorts (gnomAD); In silico analysis supports that this missense variant has a deleterious effect on protein structure/function; Has not been previously published as pathogenic or benign to our knowledge

NM_177398.4(LMX1A):c.722T>C (p.Val241Ala)

Genes: LMX1A (LIM homeobox transcription factor 1 alpha; minus strand), LMX1A-AS2 (LMX1A antisense RNA 2; plus strand). Cytogenetic location: 1q23.3.
Variant type: single nucleotide variant.
Coding change: c.722T>C on transcript NM_177398.4 (MANE Select); coding-DNA position 722, T replaced by C.
Protein change: p.Val241Ala; replaces valine 241 with alanine.
Molecular consequence: missense variant.
Genome position (GRCh38, 1-based): chr1:165,210,724, A>G on the plus strand (T>C on the coding strand, the complement: LMX1A is on the minus strand). VCF-style: chr1-165210724-A-G. GRCh37 (hg19) VCF-style: chr1-165179961-A-G.
Other names: c.722T>C, p.Val241Ala (NM_001174069.2); short protein forms V241A.
Identifiers: ClinVar variation 4530901 (VCV004530901.1).
Genomic context (GRCh38, chr1:165,210,724, plus strand): 5'-AACATGGGGACAGATAAAAGTAAGAAGCAGGTTACCTTCGCTCTCTGGTTTTGGAACCAC[A>G]CCTGGACGACACGGACACTCAGCCCTGTCTCTGCAGCCAGAGTCTCTCTCACCTTGGAAA-3'
Protein context (NP_796372.1, residues 231-251): ETGLSVRVVQ[Val241Ala]WFQNQRAKMK